The following is an entry in ClinVar:

NM_014727.3(KMT2B):c.4934T>G (p.Leu1645Arg)

Gene: KMT2B (lysine methyltransferase 2B; plus strand). Cytogenetic location: 19q13.12.
Variant type: single nucleotide variant.
Coding change: c.4934T>G on transcript NM_014727.3 (MANE Select); coding-DNA position 4934, T replaced by G.
Protein change: p.Leu1645Arg; replaces leucine 1645 with arginine.
Molecular consequence: missense variant.
Genome position (GRCh38, 1-based): chr19:35,729,983, T>G. VCF-style: chr19-35729983-T-G. GRCh37 (hg19) VCF-style: chr19-36220884-T-G.
Other names: short protein forms L1645R.
Identifiers: ClinVar variation 4795733 (VCV004795733.1).

ClinVar aggregate classification (germline): Uncertain significance (1 of 4 stars; one submission).

Submission:

GeneDx
Classification: Uncertain significance. Last evaluated: 2025-08-14. Review status: criteria provided, single submitter. Criteria: GeneDx Variant Classification Process June 2021. Collection method: clinical testing. Allele origin: germline. Affected: yes.
Comment: Not observed at significant frequency in large population cohorts (gnomAD); In silico analysis suggests that this missense variant does not alter protein structure/function; Has not been previously published as pathogenic or benign to our knowledge